The following is an entry in ClinVar:

NM_025114.4(CEP290):c.7282_7283dup (p.Tyr2429fs)

Genes: CEP290 (centrosomal protein 290; minus strand), RLIG1 (RNA 5'-phosphate and 3'-OH ligase 1; plus strand). Cytogenetic location: 12q21.32.
Variant type: Duplication.
Coding change: c.7282_7283dup on transcript NM_025114.4 (MANE Select); coding-DNA positions 7282 to 7283, 2 bases duplicated (AA; older notation c.7282_7283dupAA).
Protein change: p.Tyr2429fs; shifts the reading frame from tyrosine 2429.
Molecular consequence: frameshift variant. On other transcripts: 3 prime UTR variant (1).
Genome position (GRCh38, 1-based): chr12:88,049,341-88,049,342, TT duplicated on the plus strand (AA on the coding strand, the reverse complement: CEP290 is on the minus strand). VCF-style (leftmost placement, unchanged base first): chr12-88049340-C-CTT. GRCh37 (hg19) VCF-style: chr12-88443117-C-CTT.
Other names: c.*919_*920dup (NM_001009894.3); c.7282_7283dupAA (NM_025114.4, NM_025114.3); short protein forms Y2429fs.
Identifiers: ClinVar variation 1075924 (VCV001075924.15), dbSNP rs767231715, ClinGen allele CA6711305.

ClinVar aggregate classification (germline): Pathogenic/Likely pathogenic. Review status: criteria provided, multiple submitters, no conflicts (2 of 4 stars). 6 submissions from 6 submitters: Pathogenic (2); Likely pathogenic (3). 1 of the submissions does not count toward it. Last evaluated 2025-06-20.

Conditions:
CEP290-related disorder. Also called: CEP290-related condition; CEP290-related disorders. Identifiers: MedGen CN239314.
Joubert syndrome. Also called: Familial aplasia of the vermis; CEREBELLOPARENCHYMAL DISORDER IV; JOUBERT-BOLTSHAUSER SYNDROME. Identifiers: Orphanet 475, MedGen C5979921, MONDO:0018772.
Meckel-Gruber syndrome. Also called: Dysencephalia splachnocystica; DYSENCEPHALIA SPLANCHNOCYSTICA; GRUBER SYNDROME. Identifiers: Orphanet 564, MedGen C0265215, MONDO:0018921.
Nephronophthisis. Also called: Juvenile Nephronophthisis. Identifiers: Orphanet 655, MedGen C0687120, MONDO:0019005, HP:0000090.
Leber congenital amaurosis 10 (LCA10). Identifiers: Orphanet 65, MedGen C1857821, MONDO:0012723, OMIM 611755.
Meckel syndrome, type 4 (MKS4). Also called: MECKEL-GRUBER SYNDROME, TYPE 4. Identifiers: Orphanet 564, MedGen C1970161, MONDO:0012626, OMIM 611134.
Joubert syndrome 5 (JBTS5). Identifiers: Orphanet 2318, MedGen C1857780, MONDO:0012432, OMIM 610188.
Bardet-Biedl syndrome 14 (BBS14). Identifiers: Orphanet 110, MedGen C2673874, MONDO:0014442, OMIM 615991.
Senior-Loken syndrome 6 (SLSN6). Identifiers: Orphanet 3156, MedGen C1857779, MONDO:0012433, OMIM 610189.
Leber congenital amaurosis (LCA). Also called: Leber's amaurosis. Identifiers: Orphanet 65, MedGen C0339527, MeSH D057130, MONDO:0018998.

Allele frequency attached by ClinVar (database versions not stated): gnomAD exomes 0.00001; ExAC 0.00002; gnomAD 0.00002; TOPMed 0.00002.

Submissions (6):

Natera, Inc.
Classification: Likely pathogenic for Leber congenital amaurosis. Last evaluated: 2025-06-20. Review status: criteria provided, single submitter. Criteria: Natera Variant Classification Schema (03/2026). Collection method: clinical testing. Allele origin: germline.
Comment: The c.7282_7283dupAA variant in CEP290 is a frameshift variant predicted to shift the reading frame beginning at codon 2429 and leads to a stop codon 8 codons downstream. This variant is expected to result in nonsense mediated decay, truncation, or a dysfunctional protein product. This variant is rare in the general population with a frequency below the threshold expected for the associated phenotype(s). Given the available evidence, this variant is classified as Likely Pathogenic.

Fulgent Genetics
Classification: Likely pathogenic for Joubert syndrome 5; Senior-Loken syndrome 6; Meckel syndrome, type 4; Leber congenital amaurosis 10; Bardet-Biedl syndrome 14. Last evaluated: 2024-05-18. Review status: criteria provided, single submitter. Criteria: ACMG Guidelines, 2015. Collection method: clinical testing. Allele origin: germline.

Baylor Genetics
Classification: Likely pathogenic for Bardet-Biedl syndrome 14. Last evaluated: 2024-03-30. Review status: criteria provided, single submitter. Criteria: ACMG Guidelines, 2015. Collection method: clinical testing. Allele origin: unknown.

Women's Health and Genetics/Laboratory Corporation of America, LabCorp
Classification: Pathogenic for CEP290-related disorder. Last evaluated: 2023-11-06. Review status: criteria provided, single submitter. Criteria: LabCorp Variant Classification Summary - May 2015. Collection method: clinical testing. Allele origin: germline.
Comment: Variant summary: CEP290 c.7282_7283dupAA (p.Tyr2429SerfsX8) results in a premature termination codon, predicted to cause a truncation of the encoded protein or absence of the protein. Variants downstream of this position have been classified as pathogenic by our laboratory and in ClinVar. The variant allele was found at a frequency of 8.5e-06 in 235560 control chromosomes (gnomAD). To our knowledge, no occurrence of c.7282_7283dupAA in individuals affected with CEP290-Related Disorders and no experimental evidence demonstrating its impact on protein function have been reported. One submitter has cited clinical-significance assessments for this variant to ClinVar after 2014 and has classified the variant as pathogenic. Based on the evidence outlined above, the variant was classified as pathogenic.

Labcorp Genetics (formerly Invitae), Labcorp
Classification: Pathogenic for Joubert syndrome; Meckel-Gruber syndrome; Nephronophthisis. Last evaluated: 2023-09-12. Review status: criteria provided, single submitter. Criteria: Invitae Variant Classification Sherloc (09022015). Collection method: clinical testing. Allele origin: germline.
Comment: This sequence change creates a premature translational stop signal (p.Tyr2429Serfs*8) in the CEP290 gene. While this is not anticipated to result in nonsense mediated decay, it is expected to disrupt the last 51 amino acid(s) of the CEP290 protein. This variant is present in population databases (rs767231715, gnomAD 0.002%). This variant has not been reported in the literature in individuals affected with CEP290-related conditions. ClinVar contains an entry for this variant (Variation ID: 1075924). This variant disrupts a region of the CEP290 protein in which other variant(s) (p.Thr2457Alafs*27) have been determined to be pathogenic (PMID: 30193310). This suggests that this is a clinically significant region of the protein, and that variants that disrupt it are likely to be disease-causing. For these reasons, this variant has been classified as Pathogenic.

PreventionGenetics, part of Exact Sciences
Classification: Likely pathogenic for CEP290-related condition. Last evaluated: 2024-07-23. Review status: no assertion criteria provided. Collection method: clinical testing. Allele origin: germline. Not counted in ClinVar's aggregate classification.
Comment: The CEP290 c.7282_7283dupAA variant is predicted to result in a frameshift and premature protein termination (p.Tyr2429Serfs*8). To our knowledge, this variant has not been reported in the literature. Although this variant is located in the last exon of CEP290, other protein-truncating variants both 5' and 3' this variant have been reported to be causative for autosomal recessive CEP290 disease (Halbritter et al. 2013. PubMed ID: 23559409; Wang et al. 2015. PubMed ID: 24850569). This variant is reported in 0.0018% of alleles in individuals of European (Non-Finnish) descent in gnomAD. Frameshift variants in CEP290 are expected to be pathogenic. This variant is interpreted as likely pathogenic.

Literature cited by the submitters: PubMed 30193310 (cited by Labcorp Genetics (formerly Invitae), Labcorp).